The following is an entry in ClinVar:

NM_003190.5(TAPBP):c.763_773dup (p.Thr260fs)

Gene: TAPBP (TAP binding protein; minus strand). Cytogenetic location: 6p21.32.
Variant type: Duplication.
Coding change: c.763_773dup on transcript NM_003190.5 (MANE Select); coding-DNA positions 763 to 773, 11 bases duplicated (ACCTTCTGGCT).
Protein change: p.Thr260fs; shifts the reading frame from threonine 260.
Molecular consequence: frameshift variant.
Genome position (GRCh38, 1-based): chr6:33,305,084-33,305,094, AGCCAGAAGGT duplicated on the plus strand (ACCTTCTGGCT on the coding strand, the reverse complement: TAPBP is on the minus strand). VCF-style (leftmost placement, unchanged base first): chr6-33305083-C-CAGCCAGAAGGT. GRCh37 (hg19) VCF-style: chr6-33272860-C-CAGCCAGAAGGT.
Other names: c.763_773dup, p.Thr260fs (NM_172208.3); c.502_512dup, p.Thr173fs (NM_172209.3); short protein forms T173fs, T260fs.
Identifiers: ClinVar variation 1349978 (VCV001349978.6), dbSNP rs2150961648, ClinGen allele CA2573140278.

ClinVar aggregate classification (germline): Uncertain significance (1 of 4 stars; one submission).

Conditions:
MHC class I deficiency. Identifiers: Orphanet 34592, MedGen C6024714, MONDO:0011476.

Submission:

Labcorp Genetics (formerly Invitae), Labcorp
Classification: Uncertain significance for MHC class I deficiency 1. Last evaluated: 2022-03-03. Review status: criteria provided, single submitter. Criteria: Invitae Variant Classification Sherloc (09022015). Collection method: clinical testing. Allele origin: germline.
Comment: In summary, the available evidence is currently insufficient to determine the role of this variant in disease. Therefore, it has been classified as a Variant of Uncertain Significance. Experimental studies and prediction algorithms are not available or were not evaluated, and the functional significance of this variant is currently unknown. This variant has not been reported in the literature in individuals affected with TAPBP-related conditions. This variant is not present in population databases (gnomAD no frequency). This sequence change creates a premature translational stop signal (p.Thr260Serfs*41) in the TAPBP gene. It is expected to result in an absent or disrupted protein product. However, the current clinical and genetic evidence is not sufficient to establish whether loss-of-function variants in TAPBP cause disease.